The following is an entry in ClinVar:

NM_001163809.2(WDR81):c.2282T>C (p.Val761Ala)

Gene: WDR81 (WD repeat domain 81; plus strand). Cytogenetic location: 17p13.3.
Variant type: single nucleotide variant.
Coding change: c.2282T>C on transcript NM_001163809.2 (MANE Select); coding-DNA position 2282, T replaced by C.
Protein change: p.Val761Ala; replaces valine 761 with alanine.
Molecular consequence: missense variant. On other transcripts: intron variant (3).
Genome position (GRCh38, 1-based): chr17:1,727,241, T>C. VCF-style: chr17-1727241-T-C. GRCh37 (hg19) VCF-style: chr17-1630535-T-C.
Other names: c.-123-749T>C (NM_152348.4); c.59-3139T>C (NM_001163673.2); c.-15+2455T>C (NM_001163811.2); short protein forms V761A.
Identifiers: ClinVar variation 1810677 (VCV001810677.3), dbSNP rs778354828, ClinGen allele CA8273114.

ClinVar aggregate classification (germline): Uncertain significance. Review status: criteria provided, multiple submitters, no conflicts (2 of 4 stars). 2 submissions from 2 submitters: Uncertain significance (2). Last evaluated 2024-12-05.

Allele frequency attached by ClinVar (database versions not stated): gnomAD 0.00011; ExAC 0.00053; TOPMed 0.00016; gnomAD exomes 0.00014.
gnomAD v4.1: 216 of 1,550,234 alleles (0.014%); highest among the groups gnomAD compares: Admixed American, 0.0098%; no homozygotes.

Submissions (2):

Dasa
Classification: Uncertain significance. Last evaluated: 2024-12-05. Review status: criteria provided, single submitter. Criteria: DASA Assertion Criteria. Collection method: clinical testing. Allele origin: germline.
Comment: NM_001163809.2(WDR81):c.2282T>C (p.Val761Ala) is a missense variant that results in the substitution of valine with alanine. This variant is rare in population databases. Computational prediction algorithms are consistent with a benign effect. The currently available literature and clinical evidence are not sufficient to establish a definitive association between this variant and the reported condition. Therefore, this variant is classified as a variant of uncertain significance.

GeneDx
Classification: Uncertain significance. Last evaluated: 2022-07-05. Review status: criteria provided, single submitter. Criteria: GeneDx Variant Classification Process June 2021. Collection method: clinical testing. Allele origin: germline. Affected: yes.
Comment: In silico analysis supports that this missense variant does not alter protein structure/function; Has not been previously published as pathogenic or benign to our knowledge